The following is an entry in ClinVar:

ClinVar aggregate classification (germline): Uncertain significance (1 of 4 stars; one submission).

gnomAD v4.1: 4 of 1,595,398 alleles (0.00025%); highest among the groups gnomAD compares: Non-Finnish European, 0.00034%; no homozygotes.

Submission:

GeneDx
Classification: Uncertain significance. Last evaluated: 2026-03-27. Review status: criteria provided, single submitter. Criteria: GeneDx Variant Classification Process June 2021. Collection method: clinical testing. Allele origin: germline.
Comment: Not observed at significant frequency in large population cohorts (gnomAD); In silico analysis supports that this missense variant has a deleterious effect on protein structure/function; Has not been previously published as pathogenic or benign to our knowledge

NM_001693.4(ATP6V1B2):c.1412G>T (p.Arg471Leu)

Gene: ATP6V1B2 (ATPase H+ transporting V1 subunit B2; plus strand). Cytogenetic location: 8p21.3.
Variant type: single nucleotide variant.
Coding change: c.1412G>T on transcript NM_001693.4 (MANE Select); coding-DNA position 1412, G replaced by T.
Protein change: p.Arg471Leu; replaces arginine 471 with leucine.
Molecular consequence: missense variant.
Genome position (GRCh38, 1-based): chr8:20,220,278, G>T. VCF-style: chr8-20220278-G-T. GRCh37 (hg19) VCF-style: chr8-20077789-G-T.
Other names: short protein forms R471L.
Identifiers: ClinVar variation 5017428 (VCV005017428.1).